The following is an entry in ClinVar:

ClinVar aggregate classification (germline): Uncertain significance (1 of 4 stars; one submission).

Conditions:
Koolen-de Vries syndrome (KDVS). Identifiers: Orphanet 96169, MedGen C1864871, MONDO:0012496, OMIM 610443.

Allele frequency attached by ClinVar (database versions not stated): gnomAD exomes below 0.00001.
gnomAD v4.1: 1 of 1,614,250 alleles (0.000062%); highest among the groups gnomAD compares: Non-Finnish European, 0.000085%; no homozygotes.

Submission:

Labcorp Genetics (formerly Invitae), Labcorp
Classification: Uncertain significance for Koolen-de Vries syndrome. Last evaluated: 2024-08-26. Review status: criteria provided, single submitter. Criteria: Invitae Variant Classification Sherloc (09022015). Collection method: clinical testing. Allele origin: germline.
Comment: Due to the possible presence of a polymorphic segmental duplication, the location of the variant could not be unambiguously resolved. Variants with ambiguous mapping are still reported relative to the KANSL1 transcript. This sequence change replaces threonine, which is neutral and polar, with alanine, which is neutral and non-polar, at codon 68 of the KANSL1 protein (p.Thr68Ala). This variant is not present in population databases (gnomAD no frequency). This variant has not been reported in the literature in individuals with KANSL1-related conditions. ClinVar contains an entry for this variant (Variation ID: 952060). Invitae Evidence Modeling of protein sequence and biophysical properties (such as structural, functional, and spatial information, amino acid conservation, physicochemical variation, residue mobility, and thermodynamic stability) indicates that this missense variant is not expected to disrupt KANSL1 protein function with a negative predictive value of 80%. Until the location of this sequence change can be resolved, the clinical significance of this variant remains uncertain. It has been classified as a Variant of Uncertain Significance.

NM_015443.4(KANSL1):c.202A>G (p.Thr68Ala)

Gene: KANSL1 (KAT8 regulatory NSL complex subunit 1). Cytogenetic location: 17q21.31.
Variant type: single nucleotide variant.
Coding change: c.202A>G on transcript NM_015443.4 (MANE Select); coding-DNA position 202, A replaced by G.
Protein change: p.Thr68Ala; replaces threonine 68 with alanine.
Molecular consequence: missense variant.
Genome position (GRCh38, 1-based): chr17:46,171,942, T>C on the plus strand (A>G on the coding strand, the complement: KANSL1 is on the minus strand). VCF-style: chr17-46171942-T-C. GRCh37 (hg19) VCF-style: chr17-44249308-T-C.
Other names: c.202A>G, p.Thr68Ala (NM_001193465.2, NM_001193466.2, NM_001379198.1); short protein forms T68A.
Identifiers: ClinVar variation 952060 (VCV000952060.9), dbSNP rs2046311790, ClinGen allele CA399982691.
Genomic context (GRCh38, chr17:46,171,942, plus strand): 5'-TTACATCAGAGCAGAGATAAGATGCCACCAGTGGTTGCAGCTTTCCCAAGTCTTCCTTGG[T>C]AGGATTATTTCGGAAATCTAGGCTGGGATCCTCTGCAGCAATGGCTTTTCTTTTGGTTCC-3'
Protein context (NP_056258.1, residues 58-78): DPSLDFRNNP[Thr68Ala]KEDLGKLQPL